The following is an entry in ClinVar:

NM_001165963.4(SCN1A):c.4027G>C (p.Ala1343Pro)

Genes: SCN1A (sodium voltage-gated channel alpha subunit 1; minus strand), LOC102724058 (uncharacterized LOC102724058; plus strand). Cytogenetic location: 2q24.3.
Variant type: single nucleotide variant.
Coding change: c.4027G>C on transcript NM_001165963.4 (MANE Select); coding-DNA position 4027, G replaced by C.
Protein change: p.Ala1343Pro; replaces alanine 1343 with proline.
Molecular consequence: missense variant. On other transcripts: non-coding transcript variant (1).
Genome position (GRCh38, 1-based): chr2:166,002,729, C>G on the plus strand (G>C on the coding strand, the complement: SCN1A is on the minus strand). VCF-style: chr2-166002729-C-G. GRCh37 (hg19) VCF-style: chr2-166859239-C-G.
Other names: p.A1343P:GCA>CCA; c.3943G>C, p.Ala1315Pro (NM_001165964.3, NM_001353957.2, NM_001353958.2); c.4027G>C, p.Ala1343Pro (NM_001202435.3, NM_001353948.2); c.3994G>C, p.Ala1332Pro (NM_001353949.2, NM_001353950.2, NM_001353951.2 and 2 more transcripts); c.3991G>C, p.Ala1331Pro (NM_001353954.2, NM_001353955.2); c.3940G>C, p.Ala1314Pro (NM_001353960.2); c.1585G>C, p.Ala529Pro (NM_001353961.2); short protein forms A1332P, A1343P, A1314P, A1315P, A529P, A1331P.
Identifiers: ClinVar variation 206819 (VCV000206819.2), dbSNP rs796053006, ClinGen allele CA317433.

ClinVar aggregate classification (germline): Pathogenic (1 of 4 stars; one submission).

Submission:

GeneDx
Classification: Pathogenic. Last evaluated: 2012-06-07. Review status: criteria provided, single submitter. Criteria: GeneDx Variant Classification (06012015). Collection method: clinical testing. Allele origin: germline. Affected: yes.
Comment: p.Ala1343Pro (GCA>CCA): c.4027 G>C in exon 21 of the SCN1A gene (NM_001165963.1) The Ala1343Pro missense change has not been published as a mutation, nor has it been reported as a benign polymorphism to our knowledge. The NHLBI ESP Exome Variant Project has not identified Ala1343Pro in approximately 5,000 individuals of European or African American ethnicity, indicating that it is not a common benign variant in these populations. Although Alanine and Proline are both uncharged non-polar amino acids, the gain of a bulky Proline residue may alter the secondary structure of the protein. Ala1343Pro alters a highly conserved highly conserved position in the linker region between the fourth and fifth segments of the third transmembrane domain of the Nav1.1 protein, and other missense mutations in this region have been reported in association with epilepsy in an external mutation database. Multiple in silico models predict that Ala1343Pro is damaging to protein structure/function. This variant has been observed de novo with confirmed parentage. The variant is found in INFANT-EPI panel(s).